The following is an entry in ClinVar:

ClinVar aggregate classification (germline): Uncertain significance (1 of 4 stars; one submission).

gnomAD v4.1: 2 of 1,614,212 alleles (0.00012%); highest among the groups gnomAD compares: East Asian, 0.0022%; no homozygotes.

Submission:

Labcorp Genetics (formerly Invitae), Labcorp
Classification: Uncertain significance. Last evaluated: 2025-11-25. Review status: criteria provided, single submitter. Criteria: Invitae Variant Classification Sherloc (09022015). Collection method: clinical testing. Allele origin: germline.
Comment: This sequence change replaces proline, which is neutral and non-polar, with leucine, which is neutral and non-polar, at codon 370 of the LEMD3 protein (p.Pro370Leu). This variant is present in population databases (rs201542546, gnomAD 0.0009%). This variant has not been reported in the literature in individuals affected with LEMD3-related conditions. Invitae Evidence Modeling of protein sequence and biophysical properties (such as structural, functional, and spatial information, amino acid conservation, physicochemical variation, residue mobility, and thermodynamic stability) indicates that this missense variant is not expected to disrupt LEMD3 protein function with a negative predictive value of 80%. In summary, the available evidence is currently insufficient to determine the role of this variant in disease. Therefore, it has been classified as a Variant of Uncertain Significance.

NM_014319.5(LEMD3):c.1109C>T (p.Pro370Leu)

Genes: LEMD3 (LEM domain containing 3; plus strand), LOC130008225 (ATAC-STARR-seq lymphoblastoid active region 6608; plus strand). Cytogenetic location: 12q14.3.
Variant type: single nucleotide variant.
Coding change: c.1109C>T on transcript NM_014319.5 (MANE Select); coding-DNA position 1109, C replaced by T.
Protein change: p.Pro370Leu; replaces proline 370 with leucine.
Molecular consequence: missense variant.
Genome position (GRCh38, 1-based): chr12:65,170,705, C>T. VCF-style: chr12-65170705-C-T. GRCh37 (hg19) VCF-style: chr12-65564485-C-T.
Other names: c.1109C>T, p.Pro370Leu (NM_001167614.2); short protein forms P370L.
Identifiers: ClinVar variation 4781203 (VCV004781203.1).
Genomic context (GRCh38, chr12:65,170,705, plus strand): 5'-ACTCCAGCCCCGTTCCTAGATACCGTGTTAACGCTAAGAAACTGACCCCTCTCCTGCCCC[C>T]GCCACTTACTGACATGGACTCAACCTTGGATTCGTCAACAGGCTCCCTTCTGAAAACCAA-3'
Protein context (NP_055134.2, residues 360-380): NAKKLTPLLP[Pro370Leu]PLTDMDSTLD